The following is an entry in ClinVar:

ClinVar aggregate classification (germline): Likely benign. Review status: criteria provided, single submitter (1 of 4 stars). 4 submissions from 4 submitters: Likely benign (1). 3 of the submissions do not count toward it. Last evaluated 2024-11-15.

Conditions:
CNKSR2-related disorder. Also called: CNKSR2-related condition.

Allele frequency attached by ClinVar (database versions not stated): gnomAD exomes 0.00007 and 0.00015; TOPMed 0.00009; ExAC 0.00012; gnomAD 0.00012 and 0.00013; ESP Exome Variant Server 0.00028.
gnomAD v4.1: 91 of 1,206,510 alleles (0.0075%); highest among the groups gnomAD compares: Non-Finnish European, 0.01%; no homozygotes.

Submissions (4):

Blueprint Genetics
Classification: Likely benign. Last evaluated: 2024-11-15. Review status: criteria provided, single submitter. Criteria: ACMG Guidelines, 2015. Collection method: clinical testing. Allele origin: germline.

PreventionGenetics, part of Exact Sciences
Classification: Likely benign for CNKSR2-related condition. Last evaluated: 2019-07-11. Review status: no assertion criteria provided. Collection method: clinical testing. Allele origin: germline. Not counted in ClinVar's aggregate classification.
Comment: This variant is classified as likely benign based on ACMG/AMP sequence variant interpretation guidelines (Richards et al. 2015 PMID: 25741868, with internal and published modifications).

Clinical Genetics DNA and cytogenetics Diagnostics Lab, Erasmus MC, Erasmus Medical Center
Classification: Likely benign. Review status: no assertion criteria provided. Collection method: clinical testing. Allele origin: germline. Affected: yes. Study: VKGL Data-share Consensus. Not counted in ClinVar's aggregate classification.

Genome Diagnostics Laboratory, University Medical Center Utrecht
Classification: Likely benign. Review status: no assertion criteria provided. Collection method: clinical testing. Allele origin: germline. Affected: yes. Study: VKGL Data-share Consensus. Not counted in ClinVar's aggregate classification.

NM_014927.5(CNKSR2):c.1677C>T (p.Ser559=)

Gene: CNKSR2 (connector enhancer of kinase suppressor of Ras 2; plus strand). Cytogenetic location: Xp22.12.
Variant type: single nucleotide variant.
Coding change: c.1677C>T on transcript NM_014927.5 (MANE Select); coding-DNA position 1677, C replaced by T.
Protein change: p.Ser559=; no amino-acid change (serine 559 retained).
Molecular consequence: synonymous variant.
Genome position (GRCh38, 1-based): chrX:21,591,041, C>T. VCF-style: chrX-21591041-C-T. GRCh37 (hg19) VCF-style: chrX-21609159-C-T.
Other names: c.1677C>T (NM_014927.4); c.1587C>T, p.Ser529= (NM_001168647.3, NM_001330773.2); c.1677C>T, p.Ser559= (NM_001168648.3); c.1530C>T, p.Ser510= (NM_001168649.3, NM_001330770.2); c.1440C>T, p.Ser480= (NM_001330771.2, NM_001330772.2).
Identifiers: ClinVar variation 1284979 (VCV001284979.5), dbSNP rs371945192, ClinGen allele CA10366658.